The following is an entry in ClinVar:

NM_000548.5(TSC2):c.4348C>T (p.Pro1450Ser)

Gene: TSC2 (TSC complex subunit 2; plus strand). Cytogenetic location: 16p13.3.
Variant type: single nucleotide variant.
Coding change: c.4348C>T on transcript NM_000548.5 (MANE Select); coding-DNA position 4348, C replaced by T.
Protein change: p.Pro1450Ser; replaces proline 1450 with serine.
Molecular consequence: missense variant. On other transcripts: non-coding transcript variant (5).
Genome position (GRCh38, 1-based): chr16:2,084,570, C>T. VCF-style: chr16-2084570-C-T. GRCh37 (hg19) VCF-style: chr16-2134571-C-T.
Other names: c.4150C>T, p.Pro1384Ser (NM_001363528.2); c.4216C>T, p.Pro1406Ser (NM_001370404.1); c.3616C>T, p.Pro1206Ser (NM_001318831.2); c.4180C>T, p.Pro1394Ser (NM_001318832.2); c.4219C>T, p.Pro1407Ser (NM_001370405.1, NM_021055.3); c.4345C>T, p.Pro1449Ser (NM_001406663.1); c.4276C>T, p.Pro1426Ser (NM_001406664.1); c.4270C>T, p.Pro1424Ser (NM_001406665.1); and 26 more; short protein forms P1424S, P1184S, P1206S, P1230S, P1346S, P1377S, P1379S, P1383S.
Identifiers: ClinVar variation 2797101 (VCV002797101.4), dbSNP rs376381196, ClinGen allele CA050914.
Genomic context (GRCh38, chr16:2,084,570, plus strand): 5'-TGGTCGGCCTCGGGCGAAGACAGTCGGGGCCAGCCCGAGGGTCCCTTGCCTTCCAGCTCC[C>T]CCCGCTCGCCCAGTGGCCTCCGGCCCCGAGGTTACACCATCTCCGACTCGGCCCCATCAC-3'
Protein context (NP_000539.2, residues 1440-1460): QPEGPLPSSS[Pro1450Ser]RSPSGLRPRG

ClinVar aggregate classification (germline): Conflicting classifications of pathogenicity. Review status: criteria provided, conflicting classifications (1 of 4 stars). 2 submissions from 2 submitters: Uncertain significance (1); Benign (1). Last evaluated 2025-05-11.

Conditions:
Hereditary cancer-predisposing syndrome. Also called: Hereditary neoplastic syndrome; Neoplastic Syndromes, Hereditary; Tumor predisposition; Hereditary Cancer Syndrome. Identifiers: Orphanet 140162, MedGen C0027672, MeSH D009386, MONDO:0015356.
Tuberous sclerosis 2 (TSC2). Identifiers: Orphanet 805, MedGen C1860707, MONDO:0013199, OMIM 613254.

gnomAD v4.1: 1 of 1,607,644 alleles (0.000062%); no homozygotes.

Submissions (2):

Labcorp Genetics (formerly Invitae), Labcorp
Classification: Benign for Tuberous sclerosis 2. Last evaluated: 2025-05-11. Review status: criteria provided, single submitter. Criteria: Invitae Variant Classification Sherloc (09022015). Collection method: clinical testing. Allele origin: germline.

Ambry Genetics
Classification: Uncertain significance for Hereditary cancer-predisposing syndrome. Last evaluated: 2025-05-03. Review status: criteria provided, single submitter. Criteria: Ambry Variant Classification Scheme 2023. Collection method: clinical testing. Allele origin: germline.
Comment: The p.P1450S variant (also known as c.4348C>T), located in coding exon 33 of the TSC2 gene, results from a C to T substitution at nucleotide position 4348. The proline at codon 1450 is replaced by serine, an amino acid with similar properties. This amino acid position is highly conserved in available vertebrate species. In addition, the in silico prediction for this alteration is inconclusive. Based on the available evidence, the clinical significance of this variant remains unclear.